The following is an entry in ClinVar:

ClinVar aggregate classification (germline): Uncertain significance (1 of 4 stars; one submission).

Conditions:
Tuberous sclerosis 2 (TSC2). Identifiers: Orphanet 805, MedGen C1860707, MONDO:0013199, OMIM 613254.

gnomAD v4.1: 1 of 1,612,612 alleles (0.000062%); highest among the groups gnomAD compares: East Asian, 0.0022%; no homozygotes.

Submission:

Labcorp Genetics (formerly Invitae), Labcorp
Classification: Uncertain significance for Tuberous sclerosis 2. Last evaluated: 2023-07-16. Review status: criteria provided, single submitter. Criteria: Invitae Variant Classification Sherloc (09022015). Collection method: clinical testing. Allele origin: germline.
Comment: In summary, the available evidence is currently insufficient to determine the role of this variant in disease. Therefore, it has been classified as a Variant of Uncertain Significance. Advanced modeling of protein sequence and biophysical properties (such as structural, functional, and spatial information, amino acid conservation, physicochemical variation, residue mobility, and thermodynamic stability) performed at Invitae indicates that this missense variant is not expected to disrupt TSC2 protein function. This variant has not been reported in the literature in individuals affected with TSC2-related conditions. This variant is not present in population databases (gnomAD no frequency). This sequence change replaces serine, which is neutral and polar, with arginine, which is basic and polar, at codon 235 of the TSC2 protein (p.Ser235Arg).

NM_000548.5(TSC2):c.705C>A (p.Ser235Arg)

Gene: TSC2 (TSC complex subunit 2; plus strand). Cytogenetic location: 16p13.3.
Variant type: single nucleotide variant.
Coding change: c.705C>A on transcript NM_000548.5 (MANE Select); coding-DNA position 705, C replaced by A.
Protein change: p.Ser235Arg; replaces serine 235 with arginine.
Molecular consequence: missense variant. On other transcripts: 5 prime UTR variant (10), non-coding transcript variant (5).
Genome position (GRCh38, 1-based): chr16:2,056,700, C>A. VCF-style: chr16-2056700-C-A. GRCh37 (hg19) VCF-style: chr16-2106701-C-A.
Other names: c.705C>A, p.Ser235Arg (NM_001077183.3, NM_001114382.3, NM_001363528.2 and 6 more transcripts); c.594C>A, p.Ser198Arg (NM_001318827.2, NM_001406670.1, NM_001406678.1); c.558C>A, p.Ser186Arg (NM_001318829.2, NM_001406675.1, NM_001406676.1 and 1 more transcripts); c.105C>A, p.Ser35Arg (NM_001318831.2, NM_001406680.1, NM_001406682.1 and 6 more transcripts); c.738C>A, p.Ser246Arg (NM_001318832.2); c.243C>A, p.Ser81Arg (NM_001406681.1); c.-727C>A (NM_001406689.1, NM_001406690.1, NM_001406691.1 and 4 more transcripts); c.-608C>A (NM_001406694.1, NM_001406695.1); and 4 more; short protein forms S186R, S246R, S198R, S216R, S265R, S231R, S235R, S35R.
Identifiers: ClinVar variation 2743755 (VCV002743755.3), dbSNP rs2151079388, ClinGen allele CA394312685.